The following is an entry in ClinVar:

ClinVar aggregate classification (germline): Benign/Likely benign. Review status: criteria provided, multiple submitters, no conflicts (2 of 4 stars). 3 submissions from 3 submitters: Benign (1); Likely benign (1). 1 of the submissions does not count toward it. Last evaluated 2024-08-06.

Conditions:
IMPDH2-related disorder. Also called: IMPDH2-related condition. Identifiers: MedGen CN382316, MONDO:1060248.

Allele frequency attached by ClinVar (database versions not stated): TOPMed 0.00336; gnomAD exomes 0.00030 and 0.00080; ExAC 0.00097; 1000 Genomes Project 0.00220; 1000 Genomes Project 30x 0.00234; ESP Exome Variant Server 0.00269; gnomAD 0.00286 and 0.00307.
gnomAD v4.1: 890 of 1,612,770 alleles (0.055%); highest among the groups gnomAD compares: African/African-American, 1%; 7 homozygotes.

Submissions (3):

Blueprint Genetics
Classification: Likely benign. Last evaluated: 2024-08-06. Review status: criteria provided, single submitter. Criteria: ACMG Guidelines, 2015. Collection method: clinical testing. Allele origin: germline.

Labcorp Genetics (formerly Invitae), Labcorp
Classification: Benign. Last evaluated: 2018-08-14. Review status: criteria provided, single submitter. Criteria: Invitae Variant Classification Sherloc (09022015). Collection method: clinical testing. Allele origin: germline.

PreventionGenetics, part of Exact Sciences
Classification: Benign for IMPDH2-related condition. Last evaluated: 2019-07-31. Review status: no assertion criteria provided. Collection method: clinical testing. Allele origin: germline. Not counted in ClinVar's aggregate classification.
Comment: This variant is classified as benign based on ACMG/AMP sequence variant interpretation guidelines (Richards et al. 2015 PMID: 25741868, with internal and published modifications).

NM_000884.3(IMPDH2):c.99-4G>A

Gene: IMPDH2 (inosine monophosphate dehydrogenase 2; minus strand). Cytogenetic location: 3p21.31.
Variant type: single nucleotide variant.
Coding change: c.99-4G>A on transcript NM_000884.3 (MANE Select); 4 bases into the intron before coding-DNA position 99, G replaced by A.
Molecular consequence: intron variant.
Genome position (GRCh38, 1-based): chr3:49,028,810, C>T on the plus strand (G>A on the coding strand, the complement: IMPDH2 is on the minus strand). VCF-style: chr3-49028810-C-T. GRCh37 (hg19) VCF-style: chr3-49066243-C-T.
Identifiers: ClinVar variation 775868 (VCV000775868.6), dbSNP rs72624905, ClinGen allele CA2390816.